The following is an entry in ClinVar:

ClinVar aggregate classification (germline): Uncertain significance (1 of 4 stars; one submission).

Allele frequency attached by ClinVar (database versions not stated): ExAC 0.00001; gnomAD 0.00001; gnomAD exomes below 0.00001; 1000 Genomes Project 0.00026; 1000 Genomes Project 30x 0.00042.
gnomAD v4.1: 3 of 1,185,115 alleles (0.00025%); highest among the groups gnomAD compares: Admixed American, 0.0044%; no homozygotes.

Submission:

Labcorp Genetics (formerly Invitae), Labcorp
Classification: Uncertain significance. Last evaluated: 2025-08-15. Review status: criteria provided, single submitter. Criteria: Invitae Variant Classification Sherloc (09022015). Collection method: clinical testing. Allele origin: germline.
Comment: This sequence change replaces threonine, which is neutral and polar, with alanine, which is neutral and non-polar, at codon 497 of the SH3KBP1 protein (p.Thr497Ala). This variant is present in population databases (rs760477895, gnomAD 0.004%). This variant has not been reported in the literature in individuals affected with SH3KBP1-related conditions. ClinVar contains an entry for this variant (Variation ID: 1491021). Invitae Evidence Modeling of protein sequence and biophysical properties (such as structural, functional, and spatial information, amino acid conservation, physicochemical variation, residue mobility, and thermodynamic stability) indicates that this missense variant is not expected to disrupt SH3KBP1 protein function with a negative predictive value of 80%. In summary, the available evidence is currently insufficient to determine the role of this variant in disease. Therefore, it has been classified as a Variant of Uncertain Significance.

NM_031892.3(SH3KBP1):c.1489A>G (p.Thr497Ala)

Gene: SH3KBP1 (SH3 domain containing kinase binding protein 1; minus strand). Cytogenetic location: Xp22.12.
Variant type: single nucleotide variant.
Coding change: c.1489A>G on transcript NM_031892.3 (MANE Select); coding-DNA position 1489, A replaced by G.
Protein change: p.Thr497Ala; replaces threonine 497 with alanine.
Molecular consequence: missense variant.
Genome position (GRCh38, 1-based): chrX:19,549,979, T>C on the plus strand (A>G on the coding strand, the complement: SH3KBP1 is on the minus strand). VCF-style: chrX-19549979-T-C. GRCh37 (hg19) VCF-style: chrX-19568097-T-C.
Other names: c.1378A>G, p.Thr460Ala (NM_001024666.3); c.775A>G, p.Thr259Ala (NM_001184960.2, NM_001353897.2); c.1489A>G, p.Thr497Ala (NM_001353890.2); c.1564A>G, p.Thr522Ala (NM_001353891.2, NM_001353892.2); c.1387A>G, p.Thr463Ala (NM_001353893.2, NM_001353894.2); c.1444A>G, p.Thr482Ala (NM_001353895.2); short protein forms T259A, T463A, T482A, T497A, T460A, T522A.
Identifiers: ClinVar variation 1491021 (VCV001491021.6), dbSNP rs760477895, ClinGen allele CA10364542.